The following is an entry in ClinVar:

ClinVar aggregate classification (germline): Uncertain significance. Review status: criteria provided, multiple submitters, no conflicts (2 of 4 stars). 4 submissions from 4 submitters: Uncertain significance (4). Last evaluated 2025-08-27.

Conditions:
Hereditary cancer-predisposing syndrome. Also called: Neoplastic Syndromes, Hereditary; Tumor predisposition; Hereditary Cancer Syndrome; Hereditary neoplastic syndrome. Identifiers: Orphanet 140162, MedGen C0027672, MeSH D009386, MONDO:0015356.
Hereditary nonpolyposis colorectal neoplasms. Identifiers: MedGen C0009405, MeSH D003123.

gnomAD v4.1: 1 of 1,614,012 alleles (0.000062%); highest among the groups gnomAD compares: Middle Eastern, 0.017%; no homozygotes.

Submissions (4):

GeneDx
Classification: Uncertain significance. Last evaluated: 2025-08-27. Review status: criteria provided, single submitter. Criteria: GeneDx Variant Classification Process June 2021. Collection method: clinical testing. Allele origin: germline. Affected: yes.
Comment: Not observed at significant frequency in large population cohorts (gnomAD); In silico analysis supports that this missense variant has a deleterious effect on protein structure/function; This variant is associated with the following publications: (PMID: 17531815, 21120944, 35980532, 37937776)

Labcorp Genetics (formerly Invitae), Labcorp
Classification: Uncertain significance for Hereditary nonpolyposis colorectal neoplasms. Last evaluated: 2024-05-08. Review status: criteria provided, single submitter. Criteria: Invitae Variant Classification Sherloc (09022015). Collection method: clinical testing. Allele origin: germline.
Comment: This sequence change replaces cysteine, which is neutral and slightly polar, with tyrosine, which is neutral and polar, at codon 1269 of the MSH6 protein (p.Cys1269Tyr). This variant is not present in population databases (gnomAD no frequency). This variant has not been reported in the literature in individuals affected with MSH6-related conditions. ClinVar contains an entry for this variant (Variation ID: 824242). Advanced modeling of protein sequence and biophysical properties (such as structural, functional, and spatial information, amino acid conservation, physicochemical variation, residue mobility, and thermodynamic stability) has been performed at Invitae for this missense variant, however the output from this modeling did not meet the statistical confidence thresholds required to predict the impact of this variant on MSH6 protein function. In summary, the available evidence is currently insufficient to determine the role of this variant in disease. Therefore, it has been classified as a Variant of Uncertain Significance.

Ambry Genetics
Classification: Uncertain significance for Hereditary cancer-predisposing syndrome. Last evaluated: 2024-04-09. Review status: criteria provided, single submitter. Criteria: Ambry Variant Classification Scheme 2023. Collection method: clinical testing. Allele origin: germline.
Comment: The p.C1269Y variant (also known as c.3806G>A), located in coding exon 9 of the MSH6 gene, results from a G to A substitution at nucleotide position 3806. The cysteine at codon 1269 is replaced by tyrosine, an amino acid with highly dissimilar properties. This amino acid position is highly conserved in available vertebrate species. In addition, this alteration is predicted to be deleterious by in silico analysis. Based on the available evidence, the clinical significance of this variant remains unclear.

Blueprint Genetics
Classification: Uncertain significance. Last evaluated: 2023-10-12. Review status: criteria provided, single submitter. Criteria: ACMG Guidelines, 2015. Collection method: clinical testing. Allele origin: germline.

NM_000179.3(MSH6):c.3806G>A (p.Cys1269Tyr)

Gene: MSH6 (mutS homolog 6; plus strand). Cytogenetic location: 2p16.3.
Variant type: single nucleotide variant.
Coding change: c.3806G>A on transcript NM_000179.3 (MANE Select); coding-DNA position 3806, G replaced by A.
Protein change: p.Cys1269Tyr; replaces cysteine 1269 with tyrosine.
Molecular consequence: missense variant.
Genome position (GRCh38, 1-based): chr2:47,806,456, G>A. VCF-style: chr2-47806456-G-A. GRCh37 (hg19) VCF-style: chr2-48033595-G-A.
Other names: c.3416G>A, p.Cys1139Tyr (NM_001281492.2); c.2900G>A, p.Cys967Tyr (NM_001281493.2, NM_001281494.2); short protein forms C967Y, C1139Y, C1269Y.
Identifiers: ClinVar variation 824242 (VCV000824242.15), dbSNP rs876658276, ClinGen allele CA346761219.